The following is an entry in ClinVar:

NM_206883.3(SLC26A5):c.2042-9101dup

Genes: PSMC2 (proteasome 26S subunit, ATPase 2; plus strand), SLC26A5 (solute carrier family 26 member 5; minus strand). Cytogenetic location: 7q22.1.
Variant type: Duplication.
Coding change: c.2042-9101dup on transcript NM_206883.3; 9101 bases into the intron before coding-DNA position 2042, one base duplicated (A; older notation c.2042-9101dupA).
Molecular consequence: intron variant. On other transcripts: frameshift variant (2).
Genome position (GRCh38, 1-based): chr7:103,362,027, T duplicated on the plus strand (A on the coding strand, the reverse complement: SLC26A5 is on the minus strand); the first of 3 consecutive T bases (chr7:103,362,027-103,362,029); duplicating any one gives the same sequence. VCF-style (leftmost placement, unchanged base first): chr7-103362026-G-GT. GRCh37 (hg19) VCF-style: chr7-103002473-G-GT.
Other names: c.363dup, p.Val122fs (NM_001204453.1, NM_002803.4); c.972-9101dup (NM_206885.3); c.1946-9101dup (NM_001321787.2); c.1515-9101dup (NM_206884.3); short protein forms V122fs.
Identifiers: ClinVar variation 1311746 (VCV001311746.4), dbSNP rs2116226653, ClinGen allele CA2573052773.
Genomic context (GRCh38, chr7:103,362,026, plus strand): 5'-GATAATCAATGCTGATTCGGAGGACCCAAAATACATTATCAACGTAAAGCAGTTTGCCAA[G>GT]TTTGTGGTGGACCTTAGTGATCAGGTGGCACCTACTGACATTGAAGAAGGGATGAGAGTG-3'

ClinVar aggregate classification (germline): Uncertain significance (1 of 4 stars; one submission).

Submission:

GeneDx
Classification: Uncertain significance. Last evaluated: 2020-02-01. Review status: criteria provided, single submitter. Criteria: GeneDx Variant Classification Process June 2021. Collection method: clinical testing. Allele origin: germline. Affected: yes.
Comment: Not observed in large population cohorts (Lek et al., 2016); Frameshift variant predicted to result in protein truncation or nonsense mediated decay in a gene for which loss-of-function is not a known mechanism of disease; Has not been previously published as pathogenic or benign to our knowledge; Variants in candidate genes are classified as variants of uncertain significance in accordance with ACMG guidelines (Richards et al., 2015)